The following is an entry in ClinVar:

ClinVar aggregate classification (germline): Benign/Likely benign. Review status: criteria provided, multiple submitters, no conflicts (2 of 4 stars). 2 submissions from 2 submitters: Benign (1); Likely benign (1). Last evaluated 2023-11-26.

Conditions:
Dilated cardiomyopathy 1JJ (CMD1JJ). Identifiers: Orphanet 154, MedGen C3808935, MONDO:0014095, OMIM 615235.

gnomAD v4.1: 114 of 1,613,716 alleles (0.0071%); highest among the groups gnomAD compares: South Asian, 0.094%; no homozygotes.

Submissions (2):

Labcorp Genetics (formerly Invitae), Labcorp
Classification: Benign for Dilated cardiomyopathy 1JJ. Last evaluated: 2023-11-26. Review status: criteria provided, single submitter. Criteria: Invitae Variant Classification Sherloc (09022015). Collection method: clinical testing. Allele origin: germline.

GeneDx
Classification: Likely benign. Last evaluated: 2017-04-11. Review status: criteria provided, single submitter. Criteria: GeneDx Variant Classification (06012015). Collection method: clinical testing. Allele origin: germline. Affected: yes.
Comment: This variant is considered likely benign or benign based on one or more of the following criteria: it is a conservative change, it occurs at a poorly conserved position in the protein, it is predicted to be benign by multiple in silico algorithms, and/or has population frequency not consistent with disease.

NM_001105206.3(LAMA4):c.3111-18G>T

Gene: LAMA4 (laminin subunit alpha 4; minus strand). Cytogenetic location: 6q21.
Variant type: single nucleotide variant.
Coding change: c.3111-18G>T on transcript NM_001105206.3 (MANE Select); 18 bases into the intron before coding-DNA position 3111, G replaced by T.
Molecular consequence: intron variant.
Genome position (GRCh38, 1-based): chr6:112,139,309, C>A on the plus strand (G>T on the coding strand, the complement: LAMA4 is on the minus strand). VCF-style: chr6-112139309-C-A. GRCh37 (hg19) VCF-style: chr6-112460511-C-A.
Other names: c.3090-18G>T (LRG_433t2, NM_002290.5, NM_001105207.3).
Identifiers: ClinVar variation 508868 (VCV000508868.5), dbSNP rs80168443, ClinGen allele CA3965306.
Genomic context (GRCh38, chr6:112,139,309, plus strand): 5'-GAAGTAACTGGCAGCCCGACTCTGAGTGAAGGCCAGCTTATCTCTGAAATGGAAACACAA[C>A]GGTCATTTGAACACTACAGTTTCTGTTATGCTTTTCAAGTGAAGCCCTTTTAACCCATTC-3'